The following is an entry in ClinVar:

NM_018979.4(WNK1):c.6529G>A (p.Gly2177Arg)

Gene: WNK1 (WNK lysine deficient protein kinase 1; plus strand). Cytogenetic location: 12p13.33.
Variant type: single nucleotide variant.
Coding change: c.6529G>A on transcript NM_018979.4 (MANE Select); coding-DNA position 6529, G replaced by A.
Protein change: p.Gly2177Arg; replaces glycine 2177 with arginine.
Molecular consequence: missense variant.
Genome position (GRCh38, 1-based): chr12:900,556, G>A. VCF-style: chr12-900556-G-A. GRCh37 (hg19) VCF-style: chr12-1009722-G-A.
Other names: c.5785G>A, p.Gly1929Arg (NM_014823.3); c.7285G>A, p.Gly2429Arg (NM_213655.5); c.7309G>A, p.Gly2437Arg (NM_001184985.2); short protein forms G1929R, G2437R, G2177R, G2429R.
Identifiers: ClinVar variation 2926644 (VCV002926644.3), dbSNP rs375805785, ClinGen allele CA6383425.

ClinVar aggregate classification (germline): Uncertain significance (1 of 4 stars; one submission).

Conditions:
Neuropathy, hereditary sensory and autonomic, type 2A (HSAN2A). Also called: HSAN IIA; WNK1-Related HSAN2 (HSAN2A); ACROOSTEOLYSIS, GIACCAI TYPE; ACROOSTEOLYSIS, NEUROGENIC; MORVAN DISEASE; NEUROPATHY, CONGENITAL SENSORY. Identifiers: Orphanet 970, MedGen C2752089, MONDO:0024309, OMIM 201300.
Pseudohypoaldosteronism type 2C (PHA2C). Also called: Pseudohypoaldosteronism Type IIC. Identifiers: Orphanet 757, Orphanet 88940, MedGen C1840391, MONDO:0013778, OMIM 614492.

Allele frequency attached by ClinVar (database versions not stated): ExAC 0.00002; TOPMed 0.00002; gnomAD 0.00003; ESP Exome Variant Server 0.00008.
gnomAD v4.1: 32 of 1,614,066 alleles (0.002%); highest among the groups gnomAD compares: African/African-American, 0.0027%; no homozygotes.

Submission:

Labcorp Genetics (formerly Invitae), Labcorp
Classification: Uncertain significance for Neuropathy, hereditary sensory and autonomic, type 2A; Pseudohypoaldosteronism type 2C. Last evaluated: 2023-09-05. Review status: criteria provided, single submitter. Criteria: Invitae Variant Classification Sherloc (09022015). Collection method: clinical testing. Allele origin: germline.
Comment: This sequence change replaces glycine, which is neutral and non-polar, with arginine, which is basic and polar, at codon 2429 of the WNK1 protein (p.Gly2429Arg). In summary, the available evidence is currently insufficient to determine the role of this variant in disease. Therefore, it has been classified as a Variant of Uncertain Significance. Advanced modeling of protein sequence and biophysical properties (such as structural, functional, and spatial information, amino acid conservation, physicochemical variation, residue mobility, and thermodynamic stability) performed at Invitae indicates that this missense variant is not expected to disrupt WNK1 protein function. This variant has not been reported in the literature in individuals affected with WNK1-related conditions. This variant is present in population databases (rs375805785, gnomAD 0.01%).